The following is an entry in ClinVar:

ClinVar aggregate classification (germline): Conflicting classifications of pathogenicity. Review status: criteria provided, conflicting classifications (1 of 4 stars). 2 submissions from 2 submitters: Likely pathogenic (1); Uncertain significance (1). Last evaluated 2026-02-03.

Conditions:
PROK2-related disorder. Also called: PROK2-related condition.
Hypogonadotropic hypogonadism 4 with or without anosmia (HH4). Also called: HYPOGONADOTROPIC HYPOGONADISM 4 WITH ANOSMIA; PROK2-Related GnRH Deficiency (Kallmann Syndrome 4); KAL4. Identifiers: Orphanet 478, MedGen C3552343, MONDO:0012528, OMIM 610628.

Submissions (2):

PreventionGenetics, part of Exact Sciences
Classification: Uncertain significance for PROK2-related condition. Last evaluated: 2026-02-03. Review status: criteria provided, single submitter. Criteria: ACMG Guidelines, 2015. Collection method: clinical testing. Allele origin: germline.
Comment: The PROK2 c.2T>C variant is predicted to disrupt the translation initiation site (Start Loss). To our knowledge, this variant has not been reported in the literature or in a large population database (gnomAD), indicating this variant is rare. However, alternate variants impacting the canonical start codon have been reported in individuals with idiopathic hypogonadotropic hypogonadism, including c.2T>G (Adorni et al. 2019. PubMed ID: 30835274) and c.3G>A (unpublished observation in ClinVar; Variation ID: 1691558). Although we suspect that the c.2T>C variant may be pathogenic, the clinical significance of this variant is uncertain at this time due to the absence of conclusive functional and genetic evidence.

Variantyx, Inc.
Classification: Likely pathogenic for Hypogonadotropic hypogonadism 4 with or without anosmia. Last evaluated: 2025-03-24. Review status: criteria provided, single submitter. Criteria: Variantyx Assertion Criteria 2022. Collection method: clinical testing. Allele origin: paternal.
Comment: This is a start-loss variant in the PROK2 gene (OMIM: 607002). Pathogenic variants in this gene have been associated with autosomal dominant and autosomal recessive hypogonadotropic hypogonadism 4 with or without anosmia. This variant results in loss of the initiation codon. It is expected to result in loss of function, which is a known disease mechanism for PROK2 in this disorder (PMID: 17054399, 30835274) (PVS1). A different start loss variant at the same position, 2T>G, has been reported as heterozygous in an individual with normosmic idiopathic hypogonadotropic hypogonadism (PMID: 30835274). This variant is absent from control populations (PM2_Supporting). Based on the current evidence, this variant is classified as likely pathogenic for autosomal dominant or autosomal recessive hypogonadotropic hypogonadism 4 with or without anosmia.

NM_001126128.2(PROK2):c.2T>C (p.Met1Thr)

Gene: PROK2 (prokineticin 2; minus strand). Cytogenetic location: 3p13.
Variant type: single nucleotide variant.
Coding change: c.2T>C on transcript NM_001126128.2 (MANE Select); coding-DNA position 2, T replaced by C.
Protein change: p.Met1Thr; changes the start codon (methionine 1).
Molecular consequence: missense variant, initiator codon variant.
Genome position (GRCh38, 1-based): chr3:71,785,051, A>G on the plus strand (T>C on the coding strand, the complement: PROK2 is on the minus strand). VCF-style: chr3-71785051-A-G. GRCh37 (hg19) VCF-style: chr3-71834202-A-G.
Other names: c.2T>C, p.Met1Thr (NM_021935.4); c.2T>C (NM_001126128.1); short protein forms M1T.
Identifiers: ClinVar variation 4759226 (VCV004759226.2).
Genomic context (GRCh38, chr3:71,785,051, plus strand): 5'-GTGAGCAGCAGCGGCGGCAGCAGCAAGAGGAGCAGGAGTGGGGCGCAGCACAGGCTCCTC[A>G]TGGCGCCCTCGGGACTGGGCGGCCGCCGGAGGCAGTTGGGGGCGCGGGGCCCGGGTGCGC-3'
Protein context (NP_001119600.1, residues 1-11): [Met1Thr]RSLCCAPLLL